The following is an entry in ClinVar:

NM_001162501.2(TNRC6B):c.4034C>T (p.Pro1345Leu)

Gene: TNRC6B (trinucleotide repeat containing adaptor 6B; plus strand). Cytogenetic location: 22q13.1.
Variant type: single nucleotide variant.
Coding change: c.4034C>T on transcript NM_001162501.2 (MANE Select); coding-DNA position 4034, C replaced by T.
Protein change: p.Pro1345Leu; replaces proline 1345 with leucine.
Molecular consequence: missense variant.
Genome position (GRCh38, 1-based): chr22:40,301,247, C>T. VCF-style: chr22-40301247-C-T. GRCh37 (hg19) VCF-style: chr22-40697251-C-T.
Other names: c.1622C>T, p.Pro541Leu (NM_001024843.2); c.3704C>T, p.Pro1235Leu (NM_015088.3); short protein forms P1235L, P1345L, P541L.
Identifiers: ClinVar variation 4076267 (VCV004076267.1).

ClinVar aggregate classification (germline): Uncertain significance (1 of 4 stars; one submission).

Conditions:
Global developmental delay with speech and behavioral abnormalities. Identifiers: MedGen C5543226, MONDO:0030995, OMIM 619243.

gnomAD v4.1: 8 of 1,570,266 alleles (0.00051%); highest among the groups gnomAD compares: South Asian, 0.0035%; no homozygotes.

Submission:

Laboratorio de Genetica e Diagnostico Molecular, Hospital Israelita Albert Einstein
Classification: Uncertain significance for Global developmental delay with speech and behavioral abnormalities. Last evaluated: 2024-10-16. Review status: criteria provided, single submitter. Criteria: ACMG Guidelines, 2015. Collection method: clinical testing. Allele origin: germline. Affected: yes.
Comment: ACMG classification criteria: PM2 supporting, BP4 supporting